The following is an entry in ClinVar:

NM_019892.6(INPP5E):c.1215G>T (p.Gly405=)

Gene: INPP5E (inositol polyphosphate-5-phosphatase E; minus strand). Cytogenetic location: 9q34.3.
Variant type: single nucleotide variant.
Coding change: c.1215G>T on transcript NM_019892.6 (MANE Select); coding-DNA position 1215, G replaced by T.
Protein change: p.Gly405=; no amino-acid change (glycine 405 retained).
Molecular consequence: synonymous variant.
Genome position (GRCh38, 1-based): chr9:136,433,020, C>A on the plus strand (G>T on the coding strand, the complement: INPP5E is on the minus strand). VCF-style: chr9-136433020-C-A. GRCh37 (hg19) VCF-style: chr9-139327472-C-A.
Other names: c.1215G>T, p.Gly405= (NM_001318502.2).
Identifiers: ClinVar variation 4981026 (VCV004981026.1).

ClinVar aggregate classification (germline): Likely benign (1 of 4 stars; one submission).

Conditions:
INPP5E-related disorder. Also called: INPP5E-related condition.

gnomAD v4.1: 2 of 1,613,656 alleles (0.00012%); highest among the groups gnomAD compares: African/African-American, 0.0027%; no homozygotes.

Submission:

PreventionGenetics, part of Exact Sciences
Classification: Likely benign for INPP5E-related condition. Last evaluated: 2026-05-12. Review status: criteria provided, single submitter. Criteria: ACMG Guidelines, 2015. Collection method: clinical testing. Allele origin: germline.
Comment: This variant is classified as likely benign based on ACMG/AMP sequence variant interpretation guidelines (Richards et al. 2015 PMID: 25741868, with internal and published modifications).